The following is an entry in ClinVar:

ClinVar aggregate classification (germline): Uncertain significance (1 of 4 stars; one submission).

Submission:

Labcorp Genetics (formerly Invitae), Labcorp
Classification: Uncertain significance. Last evaluated: 2024-03-10. Review status: criteria provided, single submitter. Criteria: Invitae Variant Classification Sherloc (09022015). Collection method: clinical testing. Allele origin: germline.
Comment: This sequence change replaces arginine, which is basic and polar, with threonine, which is neutral and polar, at codon 180 of the TRPV6 protein (p.Arg180Thr). This variant is not present in population databases (gnomAD no frequency). This variant has not been reported in the literature in individuals affected with TRPV6-related conditions. Experimental studies and prediction algorithms are not available or were not evaluated, and the functional significance of this variant is currently unknown. In summary, the available evidence is currently insufficient to determine the role of this variant in disease. Therefore, it has been classified as a Variant of Uncertain Significance.

NM_018646.6(TRPV6):c.539G>C (p.Arg180Thr)

Gene: TRPV6 (transient receptor potential cation channel subfamily V member 6; minus strand). Cytogenetic location: 7q34.
Variant type: single nucleotide variant.
Coding change: c.539G>C on transcript NM_018646.6 (MANE Select); coding-DNA position 539, G replaced by C.
Protein change: p.Arg180Thr; replaces arginine 180 with threonine.
Molecular consequence: missense variant.
Genome position (GRCh38, 1-based): chr7:142,877,210, C>G on the plus strand (G>C on the coding strand, the complement: TRPV6 is on the minus strand). VCF-style: chr7-142877210-C-G. GRCh37 (hg19) VCF-style: chr7-142574963-C-G.
Other names: short protein forms R180T.
Identifiers: ClinVar variation 3645268 (VCV003645268.2).
Genomic context (GRCh38, chr7:142,877,210, plus strand): 5'-ATGAGGTTGCAGGGACTACGGCGGAAGGCAGTGCCTGTGGCTCTGGCAGAGACACTGGCC[C>G]TGCGGGCAAGCAGGGCTCGCACCAGGTTCATGTTCTGGTTCACAACAGCGATGTGCAGTG-3'
Protein context (NP_061116.5, residues 170-190): MNLVRALLAR[Arg180Thr]ASVSARATGT